The following is an entry in ClinVar:

NM_001080467.3(MYO5B):c.3683C>T (p.Thr1228Met)

Gene: MYO5B (myosin VB; minus strand). Cytogenetic location: 18q21.1.
Variant type: single nucleotide variant.
Coding change: c.3683C>T on transcript NM_001080467.3 (MANE Select); coding-DNA position 3683, C replaced by T.
Protein change: p.Thr1228Met; replaces threonine 1228 with methionine.
Molecular consequence: missense variant.
Genome position (GRCh38, 1-based): chr18:49,864,301, G>A on the plus strand (C>T on the coding strand, the complement: MYO5B is on the minus strand). VCF-style: chr18-49864301-G-A. GRCh37 (hg19) VCF-style: chr18-47390671-G-A.
Other names: short protein forms T1228M.
Identifiers: ClinVar variation 1438019 (VCV001438019.8), dbSNP rs1183569079, ClinGen allele CA402427721.

ClinVar aggregate classification (germline): Uncertain significance (1 of 4 stars; one submission).

Allele frequency attached by ClinVar (database versions not stated): TOPMed 0.00001.
gnomAD v4.1: 12 of 1,614,186 alleles (0.00074%); highest among the groups gnomAD compares: Non-Finnish European, 0.001%; no homozygotes.

Submission:

Labcorp Genetics (formerly Invitae), Labcorp
Classification: Uncertain significance. Last evaluated: 2021-04-24. Review status: criteria provided, single submitter. Criteria: Invitae Variant Classification Sherloc (09022015). Collection method: clinical testing. Allele origin: germline.
Comment: This variant has not been reported in the literature in individuals with MYO5B-related conditions. In summary, the available evidence is currently insufficient to determine the role of this variant in disease. Therefore, it has been classified as a Variant of Uncertain Significance. Algorithms developed to predict the effect of missense changes on protein structure and function output the following: SIFT: "Tolerated"; PolyPhen-2: "Benign"; Align-GVGD: "Class C0". The methionine amino acid residue is found in multiple mammalian species, suggesting that this missense change does not adversely affect protein function. These predictions have not been confirmed by published functional studies and their clinical significance is uncertain. This variant is not present in population databases (ExAC no frequency). This sequence change replaces threonine with methionine at codon 1228 of the MYO5B protein (p.Thr1228Met). The threonine residue is weakly conserved and there is a moderate physicochemical difference between threonine and methionine.